The following is an entry in ClinVar:

NM_000321.3(RB1):c.1697A>T (p.Asp566Val)

Gene: RB1 (RB transcriptional corepressor 1; plus strand). Cytogenetic location: 13q14.2.
Variant type: single nucleotide variant.
Coding change: c.1697A>T on transcript NM_000321.3 (MANE Select); coding-DNA position 1697, A replaced by T.
Protein change: p.Asp566Val; replaces aspartic acid 566 with valine.
Molecular consequence: missense variant.
Genome position (GRCh38, 1-based): chr13:48,452,994, A>T. VCF-style: chr13-48452994-A-T. GRCh37 (hg19) VCF-style: chr13-49027130-A-T.
Other names: c.1697A>T, p.Asp566Val (NM_001407165.1); short protein forms D566V.
Identifiers: ClinVar variation 4863021 (VCV004863021.1).

ClinVar aggregate classification (germline): Uncertain significance (1 of 4 stars; one submission).

Conditions:
Hereditary cancer-predisposing syndrome. Also called: Neoplastic Syndromes, Hereditary; Tumor predisposition; Hereditary Cancer Syndrome; Hereditary neoplastic syndrome. Identifiers: Orphanet 140162, MedGen C0027672, MeSH D009386, MONDO:0015356.

Submission:

Ambry Genetics
Classification: Uncertain significance for Hereditary cancer-predisposing syndrome. Last evaluated: 2026-04-26. Review status: criteria provided, single submitter. Criteria: Ambry Variant Classification Scheme 2023. Collection method: clinical testing. Allele origin: germline.
Comment: The p.D566V variant (also known as c.1697A>T), located in coding exon 18 of the RB1 gene, results from an A to T substitution at nucleotide position 1697. The aspartic acid at codon 566 is replaced by valine, an amino acid with highly dissimilar properties. This amino acid position is conserved. In addition, this alteration is predicted to be deleterious by in silico analysis. Based on the available evidence, the clinical significance of this variant remains unclear.